The following is an entry in ClinVar:

ClinVar aggregate classification (germline): Uncertain significance. Review status: criteria provided, multiple submitters, no conflicts (2 of 4 stars). 3 submissions from 3 submitters: Uncertain significance (3). Last evaluated 2022-09-01.

Conditions:
Autosomal recessive limb-girdle muscular dystrophy type 2U. Also called: MUSCULAR DYSTROPHY, LIMB-GIRDLE, TYPE 2U; Muscular dystrophy-dystroglycanopathy (limb-girdle), type c, 7. Identifiers: Orphanet 352479, MedGen C5190987, MONDO:0014474, OMIM 616052.
Muscular dystrophy-dystroglycanopathy (congenital with brain and eye anomalies), type A, 7. Also called: WALKER-WARBURG SYNDROME OR MUSCLE-EYE-BRAIN DISEASE, ISPD-RELATED; Congenital muscular dystrophy-dystroglycanopathy with brain and eye anomalies, type A7. Identifiers: Orphanet 899, MedGen C3553330, MONDO:0013835, OMIM 614643.

Allele frequency attached by ClinVar (database versions not stated): gnomAD 0.00001; TOPMed 0.00002; ExAC 0.00008; gnomAD exomes 0.00009.
gnomAD v4.1: 21 of 1,595,084 alleles (0.0013%); highest among the groups gnomAD compares: Admixed American, 0.037%; no homozygotes.

Submissions (3):

Labcorp Genetics (formerly Invitae), Labcorp
Classification: Uncertain significance for Muscular dystrophy-dystroglycanopathy (congenital with brain and eye anomalies), type A, 7; Autosomal recessive limb-girdle muscular dystrophy type 2U. Last evaluated: 2022-09-01. Review status: criteria provided, single submitter. Criteria: Invitae Variant Classification Sherloc (09022015). Collection method: clinical testing. Allele origin: germline.
Comment: This sequence change replaces leucine, which is neutral and non-polar, with valine, which is neutral and non-polar, at codon 412 of the ISPD protein (p.Leu412Val). This variant is present in population databases (rs747967711, gnomAD 0.07%). This variant has not been reported in the literature in individuals affected with ISPD-related conditions. ClinVar contains an entry for this variant (Variation ID: 211210). Algorithms developed to predict the effect of missense changes on protein structure and function (SIFT, PolyPhen-2, Align-GVGD) all suggest that this variant is likely to be tolerated. In summary, the available evidence is currently insufficient to determine the role of this variant in disease. Therefore, it has been classified as a Variant of Uncertain Significance.

Eurofins Ntd Llc (ga)
Classification: Uncertain significance. Last evaluated: 2017-05-23. Review status: criteria provided, single submitter. Criteria: EGL Classification Definitions 2015. Collection method: clinical testing. Allele origin: germline. Observed: 1 variant allele, 1 heterozygote.

Genetic Services Laboratory, University of Chicago
Classification: Uncertain significance. Last evaluated: 2015-02-10. Review status: criteria provided, single submitter. Criteria: ACMG Guidelines, 2015. Collection method: clinical testing. Allele origin: germline.

NM_001101426.4(CRPPA):c.1234C>G (p.Leu412Val)

Genes: CRPPA (CDP-L-ribitol pyrophosphorylase A; minus strand), CRPPA-AS1 (CRPPA antisense RNA 1; plus strand). Cytogenetic location: 7p21.2.
Variant type: single nucleotide variant.
Coding change: c.1234C>G on transcript NM_001101426.4 (MANE Select); coding-DNA position 1234, C replaced by G.
Protein change: p.Leu412Val; replaces leucine 412 with valine.
Molecular consequence: missense variant. On other transcripts: non-coding transcript variant (1).
Genome position (GRCh38, 1-based): chr7:16,216,083, G>C on the plus strand (C>G on the coding strand, the complement: CRPPA is on the minus strand). VCF-style: chr7-16216083-G-C. GRCh37 (hg19) VCF-style: chr7-16255708-G-C.
Other names: c.1084C>G, p.Leu362Val (NM_001101417.4); c.1129C>G, p.Leu377Val (NM_001368197.1); short protein forms L412V, L362V, L377V.
Identifiers: ClinVar variation 211210 (VCV000211210.14), dbSNP rs747967711, ClinGen allele CA208606.